The following is an entry in ClinVar:

NM_005529.7(HSPG2):c.5381C>T (p.Thr1794Ile)

Gene: HSPG2 (heparan sulfate proteoglycan 2; minus strand). Cytogenetic location: 1p36.12.
Variant type: single nucleotide variant.
Coding change: c.5381C>T on transcript NM_005529.7 (MANE Select); coding-DNA position 5381, C replaced by T.
Protein change: p.Thr1794Ile; replaces threonine 1794 with isoleucine.
Molecular consequence: missense variant.
Genome position (GRCh38, 1-based): chr1:21,857,298, G>A on the plus strand (C>T on the coding strand, the complement: HSPG2 is on the minus strand). VCF-style: chr1-21857298-G-A. GRCh37 (hg19) VCF-style: chr1-22183791-G-A.
Other names: c.5384C>T, p.Thr1795Ile (NM_001291860.2); short protein forms T1794I, T1795I.
Identifiers: ClinVar variation 295833 (VCV000295833.21), dbSNP rs763773500, ClinGen allele CA671946.

ClinVar aggregate classification (germline): Uncertain significance. Review status: criteria provided, multiple submitters, no conflicts (2 of 4 stars). 7 submissions from 6 submitters: Uncertain significance (7). Last evaluated 2025-07-01.

Conditions:
Inborn genetic diseases. Identifiers: MedGen C0950123, MeSH D030342.
Schwartz-Jampel syndrome. Also called: Myotonic myopathy dwarfism chondrodystrophy and ocular and facial abnormalities. Identifiers: Orphanet 800, MedGen C0036391, MONDO:0009717.
Lethal Kniest-like syndrome (DDSH). Also called: Dyssegmental Dysplasia. Identifiers: Orphanet 1865, MedGen C1857100, MONDO:0009140, OMIM 224410.

Allele frequency attached by ClinVar (database versions not stated): ExAC 0.00007; gnomAD exomes 0.00009 and 0.00018; gnomAD 0.00011 and 0.00013; TOPMed 0.00014.
gnomAD v4.1: 274 of 1,614,000 alleles (0.017%); highest among the groups gnomAD compares: Non-Finnish European, 0.022%; no homozygotes.

Submissions (7):

CeGaT Center for Human Genetics Tuebingen
Classification: Uncertain significance. Last evaluated: 2025-07-01. Review status: criteria provided, single submitter. Criteria: CeGaT Center For Human Genetics Tuebingen Variant Classification Criteria Version 2. Collection method: clinical testing. Allele origin: germline. Affected: yes. Observed: 1 variant allele.
Comment: HSPG2: PM2

GeneDx
Classification: Uncertain significance. Last evaluated: 2024-06-28. Review status: criteria provided, single submitter. Criteria: GeneDx Variant Classification Process June 2021. Collection method: clinical testing. Allele origin: germline. Affected: yes.
Comment: In silico analysis supports that this missense variant has a deleterious effect on protein structure/function; Has not been previously published as pathogenic or benign to our knowledge

Labcorp Genetics (formerly Invitae), Labcorp
Classification: Uncertain significance. Last evaluated: 2022-09-20. Review status: criteria provided, single submitter. Criteria: Invitae Variant Classification Sherloc (09022015). Collection method: clinical testing. Allele origin: germline.
Comment: This sequence change replaces threonine, which is neutral and polar, with isoleucine, which is neutral and non-polar, at codon 1794 of the HSPG2 protein (p.Thr1794Ile). The frequency data for this variant in the population databases is considered unreliable, as metrics indicate poor data quality at this position in the gnomAD database. This variant has not been reported in the literature in individuals affected with HSPG2-related conditions. ClinVar contains an entry for this variant (Variation ID: 295833). Algorithms developed to predict the effect of missense changes on protein structure and function are either unavailable or do not agree on the potential impact of this missense change (SIFT: "Deleterious"; PolyPhen-2: "Possibly Damaging"; Align-GVGD: "Class C0"). In summary, the available evidence is currently insufficient to determine the role of this variant in disease. Therefore, it has been classified as a Variant of Uncertain Significance.

Ambry Genetics
Classification: Uncertain significance for Inborn genetic diseases. Last evaluated: 2021-08-02. Review status: criteria provided, single submitter. Criteria: Ambry Variant Classification Scheme 2023. Collection method: clinical testing. Allele origin: germline.

Athena Diagnostics
Classification: Uncertain significance. Last evaluated: 2019-11-04. Review status: criteria provided, single submitter. Criteria: Athena Diagnostics Criteria. Collection method: clinical testing. Allele origin: unknown.

Illumina Laboratory Services, Illumina
Classification: Uncertain significance for Schwartz-Jampel syndrome type 1. Last evaluated: 2018-01-12. Review status: criteria provided, single submitter. Criteria: ICSL Variant Classification Criteria 13 December 2019. Collection method: clinical testing. Allele origin: germline.

Illumina Laboratory Services, Illumina
Classification: Uncertain significance for Lethal Kniest-like syndrome. Last evaluated: 2018-01-12. Review status: criteria provided, single submitter. Criteria: ICSL Variant Classification Criteria 13 December 2019. Collection method: clinical testing. Allele origin: germline.